The following is an entry in ClinVar:

ClinVar aggregate classification (germline): Uncertain significance (1 of 4 stars; one submission).

Conditions:
Agammaglobulinemia 6, autosomal recessive (AGM6). Also called: AGAMMAGLOBULINEMIA 6; AGAMMAGLOBULINEMIA, AUTOSOMAL RECESSIVE, DUE TO CD79B DEFECT. Identifiers: MedGen C3150207, MONDO:0012987, OMIM 612692.

Allele frequency attached by ClinVar (database versions not stated): gnomAD exomes below 0.00001.
gnomAD v4.1: 2 of 1,614,214 alleles (0.00012%); highest among the groups gnomAD compares: Non-Finnish European, 0.00017%; no homozygotes.

Submission:

Labcorp Genetics (formerly Invitae), Labcorp
Classification: Uncertain significance for Agammaglobulinemia 6, autosomal recessive. Last evaluated: 2025-06-12. Review status: criteria provided, single submitter. Criteria: Invitae Variant Classification Sherloc (09022015). Collection method: clinical testing. Allele origin: germline.
Comment: This sequence change replaces proline, which is neutral and non-polar, with threonine, which is neutral and polar, at codon 86 of the CD79B protein (p.Pro86Thr). This variant is not present in population databases (gnomAD no frequency). This variant has not been reported in the literature in individuals affected with CD79B-related conditions. ClinVar contains an entry for this variant (Variation ID: 1967700). An algorithm developed to predict the effect of missense changes on protein structure and function (PolyPhen-2) suggests that this variant is likely to be disruptive. In summary, the available evidence is currently insufficient to determine the role of this variant in disease. Therefore, it has been classified as a Variant of Uncertain Significance.

NM_000626.4(CD79B):c.256C>A (p.Pro86Thr)

Genes: CD79B (CD79b molecule; minus strand), GH-LCR (growth hormone locus control region; plus strand). Cytogenetic location: 17q23.3.
Variant type: single nucleotide variant.
Coding change: c.256C>A on transcript NM_000626.4 (MANE Select); coding-DNA position 256, C replaced by A.
Protein change: p.Pro86Thr; replaces proline 86 with threonine.
Molecular consequence: missense variant. On other transcripts: intron variant (2).
Genome position (GRCh38, 1-based): chr17:63,930,248, G>T on the plus strand (C>A on the coding strand, the complement: CD79B is on the minus strand). VCF-style: chr17-63930248-G-T. GRCh37 (hg19) VCF-style: chr17-62007608-G-T.
Other names: c.259C>A, p.Pro87Thr (NM_001039933.3); c.119-360C>A (NM_021602.4); c.122-360C>A (NM_001329050.2); short protein forms P87T, P86T.
Identifiers: ClinVar variation 1967700 (VCV001967700.5), dbSNP rs1908041476, ClinGen allele CA400604819.